The following is an entry in ClinVar:

NM_015311.3(OBSL1):c.5645C>A (p.Ala1882Asp)

Gene: OBSL1 (obscurin like cytoskeletal adaptor 1; minus strand). Cytogenetic location: 2q35.
Variant type: single nucleotide variant.
Coding change: c.5645C>A on transcript NM_015311.3 (MANE Select); coding-DNA position 5645, C replaced by A.
Protein change: p.Ala1882Asp; replaces alanine 1882 with aspartic acid.
Molecular consequence: missense variant.
Genome position (GRCh38, 1-based): chr2:219,551,567, G>T on the plus strand (C>A on the coding strand, the complement: OBSL1 is on the minus strand). VCF-style: chr2-219551567-G-T. GRCh37 (hg19) VCF-style: chr2-220416289-G-T.
Other names: short protein forms A1882D.
Identifiers: ClinVar variation 3609121 (VCV003609121.2).

ClinVar aggregate classification (germline): Uncertain significance (1 of 4 stars; one submission).

gnomAD v4.1: 5 of 1,603,568 alleles (0.00031%); no homozygotes.

Submission:

Labcorp Genetics (formerly Invitae), Labcorp
Classification: Uncertain significance. Last evaluated: 2024-11-06. Review status: criteria provided, single submitter. Criteria: Invitae Variant Classification Sherloc (09022015). Collection method: clinical testing. Allele origin: germline.
Comment: This sequence change replaces alanine, which is neutral and non-polar, with aspartic acid, which is acidic and polar, at codon 1882 of the OBSL1 protein (p.Ala1882Asp). The frequency data for this variant in the population databases is considered unreliable, as metrics indicate poor data quality at this position in the gnomAD database. This variant has not been reported in the literature in individuals affected with OBSL1-related conditions. An algorithm developed to predict the effect of missense changes on protein structure and function (PolyPhen-2) suggests that this variant is likely to be disruptive. In summary, the available evidence is currently insufficient to determine the role of this variant in disease. Therefore, it has been classified as a Variant of Uncertain Significance.